The following is an entry in ClinVar:

ClinVar aggregate classification (germline): Likely benign. Review status: criteria provided, multiple submitters, no conflicts (2 of 4 stars). 2 submissions from 2 submitters: Likely benign (2). Last evaluated 2025-05-30.

Conditions:
Birt-Hogg-Dube syndrome. Also called: Birt Hogg Dubé syndrome. Identifiers: Orphanet 122, MedGen C0346010, MONDO:0800444.
Birt-Hogg-Dube syndrome 1 (BHD1). Also called: FIBROFOLLICULOMAS WITH TRICHODISCOMAS AND ACROCHORDONS. Identifiers: Orphanet 122, MedGen CN375946, MONDO:0800445, OMIM 135150.

gnomAD v4.1: 1 of 1,613,692 alleles (0.000062%); highest among the groups gnomAD compares: South Asian, 0.0011%; no homozygotes.

Submissions (2):

Labcorp Genetics (formerly Invitae), Labcorp
Classification: Likely benign for Birt-Hogg-Dube syndrome. Last evaluated: 2025-05-30. Review status: criteria provided, single submitter. Criteria: Invitae Variant Classification Sherloc (09022015). Collection method: clinical testing. Allele origin: germline.

Myriad Genetics, Inc.
Classification: Likely benign for Birt-Hogg-Dube syndrome 1. Last evaluated: 2024-10-24. Review status: criteria provided, single submitter. Criteria: Myriad Autosomal Dominant, Autosomal Recessive and X-Linked Classification Criteria (2023). Collection method: clinical testing. Allele origin: unknown.
Comment: This variant is considered likely benign. This variant is intronic and is not expected to impact mRNA splicing.

NM_144997.7(FLCN):c.1177-6C>T

Gene: FLCN (folliculin; minus strand). Cytogenetic location: 17p11.2.
Variant type: single nucleotide variant.
Coding change: c.1177-6C>T on transcript NM_144997.7 (MANE Select); 6 bases into the intron before coding-DNA position 1177, C replaced by T.
Molecular consequence: intron variant.
Genome position (GRCh38, 1-based): chr17:17,216,509, G>A on the plus strand (C>T on the coding strand, the complement: FLCN is on the minus strand). VCF-style: chr17-17216509-G-A. GRCh37 (hg19) VCF-style: chr17-17119823-G-A.
Other names: c.1177-6C>T (NM_001353231.2, NM_001353230.2); c.1231-6C>T (NM_001353229.2).
Identifiers: ClinVar variation 3773251 (VCV003773251.2).